The following is an entry in ClinVar:

ClinVar aggregate classification (germline): Pathogenic/Likely pathogenic. Review status: criteria provided, multiple submitters, no conflicts (2 of 4 stars). 2 submissions from 2 submitters: Pathogenic (1); Likely pathogenic (1). Last evaluated 2020-05-13.

Conditions:
Hereditary cancer-predisposing syndrome. Also called: Tumor predisposition; Neoplastic Syndromes, Hereditary; Hereditary neoplastic syndrome; Hereditary Cancer Syndrome. Identifiers: Orphanet 140162, MedGen C0027672, MeSH D009386, MONDO:0015356.

Submissions (2):

Color Diagnostics, LLC DBA Color Health
Classification: Likely pathogenic for Hereditary cancer-predisposing syndrome. Last evaluated: 2020-05-13. Review status: criteria provided, single submitter. Criteria: ACMG Guidelines, 2015. Collection method: clinical testing. Allele origin: germline.
Comment: This variant inserts 2 nucleotides in exon 11 of the BARD1 gene, creating a frameshift and premature translation stop signal. This variant is not expected to trigger nonsense-mediated decay. This variant is expected to result in an absent or non-functional protein product. To our knowledge, this variant has not been reported in individuals affected with hereditary cancer in the literature. This variant has not been identified in the general population by the Genome Aggregation Database (gnomAD). Loss of BARD1 function is a known mechanism of disease. Based on the available evidence, this variant is classified as Likely Pathogenic.

Ambry Genetics
Classification: Pathogenic for Hereditary cancer-predisposing syndrome. Last evaluated: 2019-05-09. Review status: criteria provided, single submitter. Criteria: Ambry Variant Classification Scheme 2023. Collection method: clinical testing. Allele origin: germline.
Comment: The c.2015_2016dupTT pathogenic mutation, located in coding exon 11 of the BARD1 gene, results from a duplication of TT at nucleotide position 2015, causing a translational frameshift with a predicted alternate stop codon (p.D673Lfs*42). This alteration is expected to result in loss of function by premature protein truncation. As such, this alteration is interpreted as a disease-causing mutation.

NM_000465.4(BARD1):c.2015_2016dup (p.Asp673fs)

Gene: BARD1 (BRCA1 associated RING domain 1; minus strand). Cytogenetic location: 2q35.
Variant type: Duplication.
Coding change: c.2015_2016dup on transcript NM_000465.4 (MANE Select); coding-DNA positions 2015 to 2016, 2 bases duplicated (TT; older notation c.2015_2016dupTT).
Protein change: p.Asp673fs; shifts the reading frame from aspartic acid 673.
Molecular consequence: frameshift variant. On other transcripts: non-coding transcript variant (3).
Genome position (GRCh38, 1-based): chr2:214,728,994-214,728,995, AA duplicated on the plus strand (TT on the coding strand, the reverse complement: BARD1 is on the minus strand); duplicating any 2 consecutive bases within chr2:214,728,994-214,728,996 gives the same sequence; the c. name uses the placement nearest the transcript's 3' end. VCF-style (leftmost placement, unchanged base first): chr2-214728993-C-CAA. GRCh37 (hg19) VCF-style: chr2-215593717-C-CAA.
Other names: c.1958_1959dup, p.Asp654fs (NM_001282543.2); c.662_663dup, p.Asp222fs (NM_001282545.2); c.605_606dup, p.Asp203fs (NM_001282548.2); c.476_477dup, p.Asp160fs (NM_001282549.2); c.2015_2016dupTT (NM_000465.2); short protein forms D160fs, D654fs, D203fs, D222fs, D673fs.
Identifiers: ClinVar variation 630871 (VCV000630871.6), dbSNP rs1559372682, ClinGen allele CA913188018.